The following is an entry in ClinVar:

ClinVar aggregate classification (germline): Uncertain significance. Review status: criteria provided, multiple submitters, no conflicts (2 of 4 stars). 2 submissions from 2 submitters: Uncertain significance (2). Last evaluated 2024-11-14.

Submissions (2):

GeneDx
Classification: Uncertain significance. Last evaluated: 2024-11-14. Review status: criteria provided, single submitter. Criteria: GeneDx Variant Classification Process June 2021. Collection method: clinical testing. Allele origin: germline. Affected: yes.
Comment: Not observed at significant frequency in large population cohorts (gnomAD); In silico analysis indicates that this missense variant does not alter protein structure/function; Has not been previously published as pathogenic or benign to our knowledge

Labcorp Genetics (formerly Invitae), Labcorp
Classification: Uncertain significance. Last evaluated: 2019-10-26. Review status: criteria provided, single submitter. Criteria: Invitae Variant Classification Sherloc (09022015). Collection method: clinical testing. Allele origin: germline.
Comment: In summary, the available evidence is currently insufficient to determine the role of this variant in disease. Therefore, it has been classified as a Variant of Uncertain Significance. This variant is not present in population databases (ExAC no frequency). Algorithms developed to predict the effect of missense changes on protein structure and function are either unavailable or do not agree on the potential impact of this missense change (SIFT: "Deleterious"; PolyPhen-2: "Benign"; Align-GVGD: "Class C0"). This variant has not been reported in the literature in individuals with NEXMIF-related conditions. This sequence change replaces serine with proline at codon 1280 of the NEXMIF protein (p.Ser1280Pro). The serine residue is highly conserved and there is a moderate physicochemical difference between serine and proline.

NM_001008537.3(NEXMIF):c.3838T>C (p.Ser1280Pro)

Gene: NEXMIF (neurite extension and migration factor; minus strand). Cytogenetic location: Xq13.3.
Variant type: single nucleotide variant.
Coding change: c.3838T>C on transcript NM_001008537.3 (MANE Select); coding-DNA position 3838, T replaced by C.
Protein change: p.Ser1280Pro; replaces serine 1280 with proline.
Molecular consequence: missense variant.
Genome position (GRCh38, 1-based): chrX:74,740,719, A>G on the plus strand (T>C on the coding strand, the complement: NEXMIF is on the minus strand). VCF-style: chrX-74740719-A-G. GRCh37 (hg19) VCF-style: chrX-73960554-A-G.
Other names: c.3838T>C (NM_001008537.1); short protein forms S1280P.
Identifiers: ClinVar variation 971400 (VCV000971400.10), dbSNP rs2080099568, ClinGen allele CA413664637.